The following is an entry in ClinVar:

NM_001142800.2(EYS):c.4409A>T (p.Glu1470Val)

Gene: EYS (eyes shut homolog; minus strand). Cytogenetic location: 6q12.
Variant type: single nucleotide variant.
Coding change: c.4409A>T on transcript NM_001142800.2 (MANE Select); coding-DNA position 4409, A replaced by T.
Protein change: p.Glu1470Val; replaces glutamic acid 1470 with valine.
Molecular consequence: missense variant.
Genome position (GRCh38, 1-based): chr6:64,591,458, T>A on the plus strand (A>T on the coding strand, the complement: EYS is on the minus strand). VCF-style: chr6-64591458-T-A. GRCh37 (hg19) VCF-style: chr6-65301351-T-A.
Other names: c.4409A>T, p.Glu1470Val (NM_001292009.2); short protein forms E1470V.
Identifiers: ClinVar variation 947973 (VCV000947973.6), dbSNP rs555692190, ClinGen allele CA140340947.
Genomic context (GRCh38, chr6:64,591,458, plus strand): 5'-GAGGGGCTGAGCAATCTCCAGTGCTCTCTTCTTGAAATTAAAGAATCAGCTGAATATTCT[T>A]CAATATCCTCTTGAGCCCCCCTAGAGACAACTGGAGTTGCACTTATGGAGGCAGCTATAA-3'
Protein context (NP_001136272.1, residues 1460-1480): VVSRGAQEDI[Glu1470Val]EYSADSLISR

ClinVar aggregate classification (germline): Uncertain significance. Review status: criteria provided, multiple submitters, no conflicts (2 of 4 stars). 3 submissions from 3 submitters: Uncertain significance (2). 1 of the submissions does not count toward it. Last evaluated 2024-02-12.

Conditions:
Inborn genetic diseases. Identifiers: MedGen C0950123, MeSH D030342.
Retinitis pigmentosa 25 (RP25). Identifiers: Orphanet 791, MedGen C1864446, MONDO:0011272, OMIM 602772.

Allele frequency attached by ClinVar (database versions not stated): gnomAD 0.00001; 1000 Genomes Project 30x 0.00016; 1000 Genomes Project 0.00020.
gnomAD v4.1: 1 of 1,551,388 alleles (0.000064%); highest among the groups gnomAD compares: East Asian, 0.0024%; no homozygotes.

Submissions (3):

Ambry Genetics
Classification: Uncertain significance for Inborn genetic diseases. Last evaluated: 2024-02-12. Review status: criteria provided, single submitter. Criteria: Ambry Variant Classification Scheme 2023. Collection method: clinical testing. Allele origin: germline.

Labcorp Genetics (formerly Invitae), Labcorp
Classification: Uncertain significance. Last evaluated: 2021-12-29. Review status: criteria provided, single submitter. Criteria: Invitae Variant Classification Sherloc (09022015). Collection method: clinical testing. Allele origin: germline.
Comment: This sequence change replaces glutamic acid, which is acidic and polar, with valine, which is neutral and non-polar, at codon 1470 of the EYS protein (p.Glu1470Val). This variant is not present in population databases (gnomAD no frequency). This variant has not been reported in the literature in individuals affected with EYS-related conditions. ClinVar contains an entry for this variant (Variation ID: 947973). Algorithms developed to predict the effect of missense changes on protein structure and function are either unavailable or do not agree on the potential impact of this missense change (SIFT: "Tolerated"; PolyPhen-2: "Probably Damaging"; Align-GVGD: "Class C0"). In summary, the available evidence is currently insufficient to determine the role of this variant in disease. Therefore, it has been classified as a Variant of Uncertain Significance.

Natera, Inc.
Classification: Uncertain significance for Retinitis pigmentosa type 25. Last evaluated: 2021-01-27. Review status: no assertion criteria provided. Collection method: clinical testing. Allele origin: germline. Not counted in ClinVar's aggregate classification.